The following is an entry in ClinVar:

ClinVar aggregate classification (germline): Uncertain significance. Review status: criteria provided, multiple submitters, no conflicts (2 of 4 stars). 2 submissions from 2 submitters: Uncertain significance (2). Last evaluated 2024-11-06.

Conditions:
Ehlers-Danlos syndrome, type 4 (EDSVASC). Also called: Ehlers-Danlos Syndrome Type IV; Ehlers-Danlos syndrome vascular type; Ehlers Danlos syndrome, ecchymotic type; Ehlers Danlos syndrome, arterial type; Ehlers Danlos syndrome, Sack-Barabas type. Identifiers: Orphanet 286, MedGen C0268338, MONDO:0017314, OMIM 130050.

Allele frequency attached by ClinVar (database versions not stated): gnomAD exomes below 0.00001; gnomAD 0.00001; TOPMed 0.00001.

Submissions (2):

GeneDx
Classification: Uncertain significance. Last evaluated: 2024-11-06. Review status: criteria provided, single submitter. Criteria: GeneDx Variant Classification Process June 2021. Collection method: clinical testing. Allele origin: germline.
Comment: In silico analysis supports that this missense variant has a deleterious effect on protein structure/function; Not observed at significant frequency in large population cohorts (gnomAD); Has not been previously published as pathogenic or benign to our knowledge; Occurs in the triple helical domain at the Y position in the canonical Gly-X-Y repeat; although this variant may have an effect on normal protein folding and function, missense substitution at the Y position is not a common mechanism of disease (HGMD)

All of Us Research Program, National Institutes of Health
Classification: Uncertain significance for Ehlers-Danlos syndrome, type 4. Last evaluated: 2023-12-01. Review status: criteria provided, single submitter. Criteria: ACMG Guidelines, 2015. Collection method: clinical testing. Allele origin: germline. Inheritance: Autosomal dominant inheritance. Observed: 1 variant allele, 1 heterozygote.
Comment: This study involves interpretation of variants in research participants for the purpose of population health screening. Participant phenotype was not available at the time of variant classification. Additional details can be found in publication PMID: 35346344, PMCID: PMC8962531

NM_000090.4(COL3A1):c.2804C>G (p.Pro935Arg)

Gene: COL3A1 (collagen type III alpha 1 chain; plus strand). Cytogenetic location: 2q32.2.
Variant type: single nucleotide variant.
Coding change: c.2804C>G on transcript NM_000090.4 (MANE Select); coding-DNA position 2804, C replaced by G.
Protein change: p.Pro935Arg; replaces proline 935 with arginine.
Molecular consequence: missense variant.
Genome position (GRCh38, 1-based): chr2:189,004,124, C>G. VCF-style: chr2-189004124-C-G. GRCh37 (hg19) VCF-style: chr2-189868850-C-G.
Other names: short protein forms P935R.
Identifiers: ClinVar variation 3074177 (VCV003074177.3), dbSNP rs1441812821, ClinGen allele CA349844251.
Genomic context (GRCh38, chr2:189,004,124, plus strand): 5'-GCAGCCCTGGAGTGTCTGGACCAAAAGGTGATGCTGGCCAACCAGGAGAGAAGGGATCGC[C>G]TGGTGCCCAGGGCCCACCAGTAAGTAACTTCATTTTTTTAAATTGATTCTACTATTTTGA-3'
Protein context (NP_000081.2, residues 925-945): DAGQPGEKGS[Pro935Arg]GAQGPPGAPG